The following is an entry in ClinVar:

NM_172245.4(CSF2RA):c.416C>T (p.Ala139Val)

Gene: CSF2RA (colony stimulating factor 2 receptor subunit alpha; plus strand). Cytogenetic location: Xp22.33.
Variant type: single nucleotide variant.
Coding change: c.416C>T on transcript NM_172245.4 (MANE Select); coding-DNA position 416, C replaced by T.
Protein change: p.Ala139Val; replaces alanine 139 with valine.
Molecular consequence: missense variant. On other transcripts: non-coding transcript variant (1).
Genome position (GRCh38, 1-based): chrX:1,288,831, C>T. VCF-style: chrX-1288831-C-T. GRCh37 (hg19) VCF-style: chrX-1407724-C-T.
Other names: c.416C>T, p.Ala139Val (NM_001161529.2, NM_001161530.2, NM_001161531.2 and 20 more transcripts); c.17C>T, p.Ala6Val (NM_001161532.2); short protein forms A139V, A6V.
Identifiers: ClinVar variation 1368959 (VCV001368959.5), dbSNP rs777638014, ClinGen allele CA10330798.

ClinVar aggregate classification (germline): Uncertain significance (1 of 4 stars; one submission).

Conditions:
Surfactant metabolism dysfunction, pulmonary, 4 (SMDP4). Also called: CSF2RA DEFICIENCY; PAP DUE TO CSF2RA DEFICIENCY; PULMONARY ALVEOLAR PROTEINOSIS, CONGENITAL, 4. Identifiers: Orphanet 264675, MedGen C2677877, MONDO:0010424, OMIM 300770.

Allele frequency attached by ClinVar (database versions not stated): ExAC 0.00001; gnomAD exomes 0.00002.
gnomAD v4.1: 18 of 1,613,788 alleles (0.0011%); highest among the groups gnomAD compares: African/African-American, 0.013%; no homozygotes.

Submissions (2):

Labcorp Genetics (formerly Invitae), Labcorp
Classification: Uncertain significance for Surfactant metabolism dysfunction, pulmonary, 4. Last evaluated: 2021-09-24. Review status: criteria provided, single submitter. Criteria: Invitae Variant Classification Sherloc (09022015). Collection method: clinical testing. Allele origin: germline.
Comment: In summary, the available evidence is currently insufficient to determine the role of this variant in disease. Therefore, it has been classified as a Variant of Uncertain Significance. Algorithms developed to predict the effect of sequence changes on RNA splicing suggest that this variant may create or strengthen a splice site. Algorithms developed to predict the effect of missense changes on protein structure and function are either unavailable or do not agree on the potential impact of this missense change (SIFT: "Tolerated"; PolyPhen-2: "Not Available"; Align-GVGD: "Class C0"). This variant has not been reported in the literature in individuals affected with CSF2RA-related conditions. This variant is present in population databases (no rsID available, ExAC 0.01%). This sequence change replaces alanine with valine at codon 139 of the CSF2RA protein (p.Ala139Val). The alanine residue is highly conserved and there is a small physicochemical difference between alanine and valine.

Dr. Peter K. Rogan Lab, Western University
No classification provided (evidence only). Condition: Melanoma. Review status: no classification provided. Collection method: in vitro. Allele origin: not applicable. Functional consequence: retained intron. Not counted in ClinVar's aggregate classification.